The following is an entry in ClinVar:

NM_003803.4(MYOM1):c.2726C>G (p.Pro909Arg)

Gene: MYOM1 (myomesin 1; minus strand). Cytogenetic location: 18p11.31.
Variant type: single nucleotide variant.
Coding change: c.2726C>G on transcript NM_003803.4 (MANE Select); coding-DNA position 2726, C replaced by G.
Protein change: p.Pro909Arg; replaces proline 909 with arginine.
Molecular consequence: missense variant. On other transcripts: intron variant (1).
Genome position (GRCh38, 1-based): chr18:3,129,300, G>C on the plus strand (C>G on the coding strand, the complement: MYOM1 is on the minus strand). VCF-style: chr18-3129300-G-C. GRCh37 (hg19) VCF-style: chr18-3129298-G-C.
Other names: c.2506+2075C>G (NM_019856.2); short protein forms P909R.
Identifiers: ClinVar variation 3877134 (VCV003877134.1).

ClinVar aggregate classification (germline): Uncertain significance (1 of 4 stars; one submission).

gnomAD v4.1: 2 of 1,613,822 alleles (0.00012%); highest among the groups gnomAD compares: Non-Finnish European, 0.00017%; no homozygotes.

Submission:

Ambry Genetics
Classification: Uncertain significance. Last evaluated: 2024-12-31. Review status: criteria provided, single submitter. Criteria: Ambry Variant Classification Scheme 2023. Collection method: clinical testing. Allele origin: germline.
Comment: The p.P909R variant (also known as c.2726C>G), located in coding exon 17 of the MYOM1 gene, results from a C to G substitution at nucleotide position 2726. The proline at codon 909 is replaced by arginine, an amino acid with dissimilar properties. This amino acid position is conserved. In addition, this alteration is predicted to be tolerated by in silico analysis. Based on the available evidence, the clinical significance of this variant remains unclear.